The following is an entry in ClinVar:

NM_002076.4(GNS):c.1152C>A (p.Tyr384Ter)

Gene: GNS (glucosamine (N-acetyl)-6-sulfatase; minus strand). Cytogenetic location: 12q14.3.
Variant type: single nucleotide variant.
Coding change: c.1152C>A on transcript NM_002076.4 (MANE Select); coding-DNA position 1152, C replaced by A.
Protein change: p.Tyr384Ter; replaces tyrosine 384 with a stop codon.
Molecular consequence: nonsense.
Genome position (GRCh38, 1-based): chr12:64,729,004, G>T on the plus strand (C>A on the coding strand, the complement: GNS is on the minus strand). VCF-style: chr12-64729004-G-T. GRCh37 (hg19) VCF-style: chr12-65122784-G-T.
Other names: short protein forms Y384*.
Identifiers: ClinVar variation 3721441 (VCV003721441.2).

ClinVar aggregate classification (germline): Pathogenic (1 of 4 stars; one submission).

Conditions:
Mucopolysaccharidosis, MPS-III-D (MPS3D). Also called: N-ACETYLGLUCOSAMINE-6-SULFATASE DEFICIENCY; SANFILIPPO SYNDROME D; MPS III D; Mucopoly-saccharidosis type 3D; N-acetylglucosamine-6-sulfate sulfatase deficiency; MPS 3D. Identifiers: Orphanet 581, Orphanet 79272, MedGen C0086650, MONDO:0009658, OMIM 252940.

Submission:

Labcorp Genetics (formerly Invitae), Labcorp
Classification: Pathogenic for Mucopolysaccharidosis, MPS-III-D. Last evaluated: 2024-09-24. Review status: criteria provided, single submitter. Criteria: Invitae Variant Classification Sherloc (09022015). Collection method: clinical testing. Allele origin: germline.
Comment: This sequence change creates a premature translational stop signal (p.Tyr384*) in the GNS gene. It is expected to result in an absent or disrupted protein product. Loss-of-function variants in GNS are known to be pathogenic (PMID: 20232353). This variant is not present in population databases (gnomAD no frequency). This variant has not been reported in the literature in individuals affected with GNS-related conditions. For these reasons, this variant has been classified as Pathogenic.

Literature cited by the submitters: PubMed 20232353.